The following is an entry in ClinVar:

ClinVar aggregate classification (germline): Uncertain significance (1 of 4 stars; one submission).

Conditions:
Kleefstra syndrome 2 (KLEFS2). Identifiers: MedGen C4540395, MONDO:0054701, OMIM 617768.

Allele frequency attached by ClinVar (database versions not stated): gnomAD 0.00001.
gnomAD v4.1: 1 of 1,613,918 alleles (0.000062%); highest among the groups gnomAD compares: Admixed American, 0.0017%; no homozygotes.

Submission:

Baylor Genetics
Classification: Uncertain significance for Kleefstra syndrome 2. Last evaluated: 2020-04-05. Review status: criteria provided, single submitter. Criteria: ACMG Guidelines, 2015. Collection method: clinical testing. Allele origin: unknown. Affected: yes.
Comment: This variant was determined to be of uncertain significance according to ACMG Guidelines, 2015 [PMID:25741868].

NM_170606.3(KMT2C):c.6638G>C (p.Gly2213Ala)

Gene: KMT2C (lysine methyltransferase 2C; minus strand). Cytogenetic location: 7q36.1.
Variant type: single nucleotide variant.
Coding change: c.6638G>C on transcript NM_170606.3 (MANE Select); coding-DNA position 6638, G replaced by C.
Protein change: p.Gly2213Ala; replaces glycine 2213 with alanine.
Molecular consequence: missense variant.
Genome position (GRCh38, 1-based): chr7:152,181,222, C>G on the plus strand (G>C on the coding strand, the complement: KMT2C is on the minus strand). VCF-style: chr7-152181222-C-G. GRCh37 (hg19) VCF-style: chr7-151878307-C-G.
Other names: short protein forms G2213A.
Identifiers: ClinVar variation 1027843 (VCV001027843.1), dbSNP rs1447958658, ClinGen allele CA370092449.